The following is an entry in ClinVar:

ClinVar aggregate classification (germline): Likely benign. Review status: criteria provided, multiple submitters, no conflicts (2 of 4 stars). 4 submissions from 4 submitters: Likely benign (4). Last evaluated 2026-01-17.

Allele frequency attached by ClinVar (database versions not stated): ExAC 0.00021; gnomAD exomes 0.00025 and 0.00054; gnomAD 0.00026 and 0.00027; TOPMed 0.00029; 1000 Genomes Project 0.00040; ESP Exome Variant Server 0.00046; 1000 Genomes Project 30x 0.00047.

Submissions (7):

Labcorp Genetics (formerly Invitae), Labcorp
Classification: Likely benign. Last evaluated: 2026-01-17. Review status: criteria provided, single submitter. Criteria: Invitae Variant Classification Sherloc (09022015). Collection method: clinical testing. Allele origin: germline.

Blueprint Genetics
Classification: Likely benign. Last evaluated: 2024-11-22. Review status: criteria provided, single submitter. Criteria: ACMG Guidelines, 2015. Collection method: clinical testing. Allele origin: germline.

CeGaT Center for Human Genetics Tuebingen
Classification: Likely benign. Last evaluated: 2024-03-01. Review status: criteria provided, single submitter. Criteria: CeGaT Center For Human Genetics Tuebingen Variant Classification Criteria Version 2. Collection method: clinical testing. Allele origin: germline. Affected: yes. Observed: 1 variant allele.
Comment: SLC25A1: BP4, BP7

Genetic Services Laboratory, University of Chicago
Classification: Likely benign. Last evaluated: 2016-01-20. Review status: criteria provided, single submitter. Criteria: ACMG Guidelines, 2015. Collection method: clinical testing. Allele origin: germline. Affected: no.

Dr. Peter K. Rogan Lab, Western University
No classification provided (evidence only). Condition: Familial cancer of breast. Review status: no classification provided. Collection method: in vitro. Allele origin: not applicable. Functional consequence: retained intron. Not counted in ClinVar's aggregate classification.

Dr. Peter K. Rogan Lab, Western University
No classification provided (evidence only). Condition: Cervical cancer. Review status: no classification provided. Collection method: in vitro. Allele origin: not applicable. Functional consequence: retained intron. Not counted in ClinVar's aggregate classification.

Dr. Peter K. Rogan Lab, Western University
No classification provided (evidence only). Condition: Ovarian serous cystadenocarcinoma. Review status: no classification provided. Collection method: in vitro. Allele origin: not applicable. Functional consequence: retained intron. Not counted in ClinVar's aggregate classification.

NM_005984.5(SLC25A1):c.417C>G (p.Val139=)

Gene: SLC25A1 (solute carrier family 25 member 1; minus strand). Cytogenetic location: 22q11.21.
Variant type: single nucleotide variant.
Coding change: c.417C>G on transcript NM_005984.5 (MANE Select); coding-DNA position 417, C replaced by G.
Protein change: p.Val139=; no amino-acid change (valine 139 retained).
Molecular consequence: synonymous variant.
Genome position (GRCh38, 1-based): chr22:19,177,751, G>C on the plus strand (C>G on the coding strand, the complement: SLC25A1 is on the minus strand). VCF-style: chr22-19177751-G-C. GRCh37 (hg19) VCF-style: chr22-19165264-G-C.
Other names: c.438C>G, p.Val146= (NM_001256534.2); c.108C>G, p.Val36= (NM_001287387.2).
Identifiers: ClinVar variation 436744 (VCV000436744.37), dbSNP rs201261311, ClinGen allele CA10097457.
Genomic context (GRCh38, chr22:19,177,751, plus strand): 5'-CTGCGTGTCCGGGGTCCTCGCCAGGACCTTCCCCACCTTGATGGTCTCCATGGGGCACAC[G>C]ACCACCACGGCCTCGGCCACGCCAGCGCCCAGGCCGCACAGCAGCCCACGCGTGCTGTCC-3'
Protein context (NP_005975.1, residues 129-149): LGAGVAEAVV[Val139=]VCPMETIKVK